The following is an entry in ClinVar:

ClinVar aggregate classification (germline): Likely pathogenic. Review status: criteria provided, multiple submitters, no conflicts (2 of 4 stars). 2 submissions from 2 submitters: Likely pathogenic (2). Last evaluated 2026-03-05.

Conditions:
Infantile-onset generalized dyskinesia with orofacial involvement. Also called: Dyskinesia, limb and orofacial, infantile-onset. Identifiers: Orphanet 494526, MedGen C5567464, MONDO:0044637, OMIM 616921.

Submissions (2):

Genelabs Medical  (pvt) Ltd
Classification: Likely pathogenic for Infantile-onset generalized dyskinesia with orofacial involvement. Last evaluated: 2026-03-05. Review status: criteria provided, single submitter. Criteria: ACMG Guidelines, 2015. Collection method: clinical testing. Allele origin: germline. Inheritance: Autosomal dominant inheritance. Affected: yes.
Comment: The missense variant NM_001385079.1(PDE10A):c.1698C>G (p.Phe566Leu) results in a phenylalanine-to-leucine substitution at codon 566. This nucleotide change produces the same amino acid substitution as a previously reported pathogenic variant (PDE10A:c.1696T>C; PMID: 27058447, 29165877), supporting its clinical relevance. The variant is absent from population databases, including gnomAD, indicating it is rare. The PDE10A gene demonstrates strong intolerance to missense variation (Z-score = 4.04), suggesting that missense variants are a known mechanism of disease in this gene. Furthermore, multiple pathogenic missense variants have been reported in PDE10A, including two pathogenic variants located within six amino acids of residue 566, highlighting the functional importance of this region. The phenylalanine residue at position 566 is highly conserved across mammalian species, and the corresponding nucleotide position is evolutionarily conserved across vertebrates based on GERP++ and PhyloP metrics. In silico prediction tools (SIFT and PolyPhen-2) indicate a damaging effect on protein function. However, the REVEL score of 0.57 falls within an intermediate range and therefore provides limited supportive evidence for pathogenicity. Based on the cumulative evidence, this variant is classified as Likely Pathogenic (PS1, PM1, PM2_P, PP2).

Labcorp Genetics (formerly Invitae), Labcorp
Classification: Likely pathogenic. Last evaluated: 2023-04-27. Review status: criteria provided, single submitter. Criteria: Invitae Variant Classification Sherloc (09022015). Collection method: clinical testing. Allele origin: germline.
Comment: ClinVar contains an entry for this variant (Variation ID: 2031793). In summary, the currently available evidence indicates that the variant is pathogenic, but additional data are needed to prove that conclusively. Therefore, this variant has been classified as Likely Pathogenic. Advanced modeling of protein sequence and biophysical properties (such as structural, functional, and spatial information, amino acid conservation, physicochemical variation, residue mobility, and thermodynamic stability) performed at Invitae indicates that this missense variant is not expected to disrupt PDE10A protein function. A different variant (c.898T>C) giving rise to the same protein effect has been determined to be pathogenic (PMID: 27058447, 29165877). This suggests that this variant is also likely to be causative of disease. This variant is not present in population databases (gnomAD no frequency). This sequence change replaces phenylalanine, which is neutral and non-polar, with leucine, which is neutral and non-polar, at codon 300 of the PDE10A protein (p.Phe300Leu).

Literature cited by the submitters: PubMed 27058447 (cited by Genelabs Medical  (pvt) Ltd and Labcorp Genetics (formerly Invitae), Labcorp); PubMed 29165877 (cited by Genelabs Medical  (pvt) Ltd and Labcorp Genetics (formerly Invitae), Labcorp).

NM_001385079.1(PDE10A):c.1698C>G (p.Phe566Leu)

Gene: PDE10A (phosphodiesterase 10A; minus strand). Cytogenetic location: 6q27.
Variant type: single nucleotide variant.
Coding change: c.1698C>G on transcript NM_001385079.1 (MANE Select); coding-DNA position 1698, C replaced by G.
Protein change: p.Phe566Leu; replaces phenylalanine 566 with leucine.
Molecular consequence: missense variant.
Genome position (GRCh38, 1-based): chr6:165,418,733, G>C on the plus strand (C>G on the coding strand, the complement: PDE10A is on the minus strand). VCF-style: chr6-165418733-G-C. GRCh37 (hg19) VCF-style: chr6-165832221-G-C.
Other names: c.900C>G, p.Phe300Leu (NM_001130690.3); c.870C>G, p.Phe290Leu (NM_006661.4); short protein forms F566L, F300L, F290L.
Identifiers: ClinVar variation 2031793 (VCV002031793.5), dbSNP rs2533890060, ClinGen allele CA366396004.